The following is an entry in ClinVar:

ClinVar aggregate classification (germline): Benign. Review status: criteria provided, multiple submitters, no conflicts (2 of 4 stars). 2 submissions from 2 submitters: Benign (2). Last evaluated 2018-01-13.

Conditions:
Sjögren-Larsson syndrome (SLS). Also called: FALDH DEFICIENCY; FATTY ALCOHOL:NAD+ OXIDOREDUCTASE DEFICIENCY; FATTY ALDEHYDE DEHYDROGENASE DEFICIENCY; ICHTHYOSIS, SPASTIC NEUROLOGIC DISORDER, AND OLIGOPHRENIA. Identifiers: Orphanet 816, MedGen C0037231, MONDO:0010031, OMIM 270200.

Allele frequency attached by ClinVar (database versions not stated): gnomAD exomes 0.50000; gnomAD 0.51703; TOPMed 0.52180; 1000 Genomes Project 30x 0.59354; 1000 Genomes Project 0.60423.
gnomAD v4.1: 78,730 of 152,104 alleles (52%); highest among the groups gnomAD compares: East Asian, 91%; 21,386 homozygotes.

Submissions (2):

Illumina Laboratory Services, Illumina
Classification: Benign for Sjögren-Larsson syndrome. Last evaluated: 2018-01-13. Review status: criteria provided, single submitter. Criteria: ICSL Variant Classification Criteria 13 December 2019. Collection method: clinical testing. Allele origin: germline.
Comment: This variant was observed in the ICSL laboratory as part of a predisposition screen in an ostensibly healthy population. It had not been previously curated by ICSL or reported in the Human Gene Mutation Database (HGMD: prior to June 1st, 2018), and was therefore a candidate for classification through an automated scoring system. Utilizing variant allele frequency, disease prevalence and penetrance estimates, and inheritance mode, an automated score was calculated to assess if this variant is too frequent to cause the disease. Based on the score and internal cut-off values, a variant classified as benign is not then subjected to further curation. The score for this variant resulted in a classification of benign for this disease.

Breakthrough Genomics
Classification: Benign. Review status: criteria provided, single submitter. Criteria: ACMG Guidelines, 2015. Collection method: not provided. Allele origin: germline. Inheritance: Autosomal recessive inheritance. Affected: yes.

NM_000382.3(ALDH3A2):c.*1609A>G

Gene: ALDH3A2 (aldehyde dehydrogenase 3 family member A2; plus strand). Cytogenetic location: 17p11.2.
Variant type: single nucleotide variant.
Coding change: c.*1609A>G on transcript NM_000382.3 (MANE Select); 1609 bases downstream of the stop codon, A replaced by G.
Molecular consequence: 3 prime UTR variant.
Genome position (GRCh38, 1-based): chr17:19,677,181, A>G. VCF-style: chr17-19677181-A-G. GRCh37 (hg19) VCF-style: chr17-19580494-A-G.
Other names: c.*1665A>G (NM_001031806.2, NM_001369136.1, NM_001369137.2); c.*1609A>G (NM_001369138.2, NM_001369139.1, NM_001369148.2); c.*1556A>G (NM_001369146.2).
Identifiers: ClinVar variation 322237 (VCV000322237.6), dbSNP rs7215, ClinGen allele CA10649674.